The following is an entry in ClinVar:

NM_001458.5(FLNC):c.700-2A>G

Gene: FLNC (filamin C; plus strand). Cytogenetic location: 7q32.1.
Variant type: single nucleotide variant.
Coding change: c.700-2A>G on transcript NM_001458.5 (MANE Select); the canonical splice acceptor site of the intron before coding-DNA position 700, A replaced by G.
Molecular consequence: splice acceptor variant.
Genome position (GRCh38, 1-based): chr7:128,837,396, A>G. VCF-style: chr7-128837396-A-G. GRCh37 (hg19) VCF-style: chr7-128477450-A-G.
Other names: NM_001458.5:c.700-2A>G; c.700-2A>G (NM_001127487.2).
Identifiers: ClinVar variation 2500856 (VCV002500856.1), dbSNP rs2536618200, ClinGen allele CA369221803.

ClinVar aggregate classification (germline): Uncertain significance (1 of 4 stars; one submission).

Conditions:
Distal myopathy with posterior leg and anterior hand involvement. Also called: WILLIAMS DISTAL MYOPATHY. Identifiers: Orphanet 63273, MedGen C3279722, MONDO:0013550, OMIM 614065.

Submission:

Broad Center for Mendelian Genomics, Broad Institute of MIT and Harvard
Classification: Uncertain significance for Distal myopathy with posterior leg and anterior hand involvement. Last evaluated: 2023-05-02. Review status: criteria provided, single submitter. Criteria: ACMG Guidelines, 2015. Collection method: curation. Allele origin: germline. Inheritance: Autosomal dominant inheritance.
Comment: The c.700-2A>G variant in FLNC has not been previously identified in individuals with distal myopathy 4. This variant was absent from large population studies. This variant is located in the 5' splice region. Computational tools predict a splicing impact, though this information is not predictive enough to determine pathogenicity. Heterozygous loss of function is an established disease mechanism of distal myopathy 4. In summary, while there is some suspicion for a pathogenic role, the clinical significance of this variant is uncertain. ACMG/AMP Criteria applied: PVS1_Strong, PM2_Supporting (Richards 2015).